The following is an entry in ClinVar:

NM_003906.5(MCM3AP):c.1061G>C (p.Arg354Pro)

Gene: MCM3AP (minichromosome maintenance complex component 3 associated protein; minus strand). Cytogenetic location: 21q22.3.
Variant type: single nucleotide variant.
Coding change: c.1061G>C on transcript NM_003906.5 (MANE Select); coding-DNA position 1061, G replaced by C.
Protein change: p.Arg354Pro; replaces arginine 354 with proline.
Molecular consequence: missense variant.
Genome position (GRCh38, 1-based): chr21:46,284,226, C>G on the plus strand (G>C on the coding strand, the complement: MCM3AP is on the minus strand). VCF-style: chr21-46284226-C-G. GRCh37 (hg19) VCF-style: chr21-47704140-C-G.
Other names: short protein forms R354P.
Identifiers: ClinVar variation 1954888 (VCV001954888.3), dbSNP rs371008994, ClinGen allele CA410533448.

ClinVar aggregate classification (germline): Uncertain significance (1 of 4 stars; one submission).

gnomAD v4.1: 1 of 1,614,202 alleles (0.000062%); highest among the groups gnomAD compares: Admixed American, 0.0017%; no homozygotes.

Submission:

Labcorp Genetics (formerly Invitae), Labcorp
Classification: Uncertain significance. Last evaluated: 2022-08-20. Review status: criteria provided, single submitter. Criteria: Invitae Variant Classification Sherloc (09022015). Collection method: clinical testing. Allele origin: germline.
Comment: In summary, the available evidence is currently insufficient to determine the role of this variant in disease. Therefore, it has been classified as a Variant of Uncertain Significance. Algorithms developed to predict the effect of missense changes on protein structure and function are either unavailable or do not agree on the potential impact of this missense change (SIFT: "Deleterious"; PolyPhen-2: "Probably Damaging"; Align-GVGD: "Class C0"). This variant has not been reported in the literature in individuals affected with MCM3AP-related conditions. This variant is present in population databases (no rsID available, gnomAD 0.003%). This sequence change replaces arginine, which is basic and polar, with proline, which is neutral and non-polar, at codon 354 of the MCM3AP protein (p.Arg354Pro).